The following is an entry in ClinVar:

ClinVar aggregate classification (germline): Benign. Review status: criteria provided, multiple submitters, no conflicts (2 of 4 stars). 2 submissions from 2 submitters: Benign (2). Last evaluated 2018-09-21.

Allele frequency attached by ClinVar (database versions not stated): 1000 Genomes Project 30x 0.03217; 1000 Genomes Project 0.03355; TOPMed 0.05591; gnomAD 0.06469 and 0.06556.

Submissions (2):

ARUP Laboratories, Molecular Genetics and Genomics, ARUP Laboratories
Classification: Benign. Last evaluated: 2018-09-21. Review status: criteria provided, single submitter. Criteria: ARUP Molecular Germline Variant Investigation Process. Collection method: clinical testing. Allele origin: germline.

GeneDx
Classification: Benign. Last evaluated: 2018-06-14. Review status: criteria provided, single submitter. Criteria: GeneDx Variant Classification (06012015). Collection method: clinical testing. Allele origin: germline. Affected: yes.
Comment: This variant is considered likely benign or benign based on one or more of the following criteria: it is a conservative change, it occurs at a poorly conserved position in the protein, it is predicted to be benign by multiple in silico algorithms, and/or has population frequency not consistent with disease.

NM_001457.4(FLNB):c.2055+274del

Gene: FLNB (filamin B; plus strand). Cytogenetic location: 3p14.3.
Variant type: Deletion.
Coding change: c.2055+274del on transcript NM_001457.4 (MANE Select); 274 bases into the intron after coding-DNA position 2055, one base deleted (G; older notation c.2055+274delG).
Molecular consequence: intron variant.
Genome position (GRCh38, 1-based): chr3:58,108,845, G deleted. VCF-style (leftmost placement, unchanged base first): chr3-58108844-TG-T. GRCh37 (hg19) VCF-style: chr3-58094571-TG-T.
Other names: c.2055+274del (NM_001164317.2, NM_001164318.2, NM_001164319.2).
Identifiers: ClinVar variation 671380 (VCV000671380.9), dbSNP rs35415261, ClinGen allele CA75434042.